The following is an entry in ClinVar:

NM_002230.4(JUP):c.909+17T>C

Gene: JUP (junction plakoglobin; minus strand). Cytogenetic location: 17q21.2.
Variant type: single nucleotide variant.
Coding change: c.909+17T>C on transcript NM_002230.4 (MANE Select); 17 bases into the intron after coding-DNA position 909, T replaced by C.
Molecular consequence: intron variant.
Genome position (GRCh38, 1-based): chr17:41,767,362, A>G on the plus strand (T>C on the coding strand, the complement: JUP is on the minus strand). VCF-style: chr17-41767362-A-G. GRCh37 (hg19) VCF-style: chr17-39923614-A-G.
Other names: c.909+17T>C (NM_002230.3, NM_001352774.2, NM_021991.4 and 4 more transcripts).
Identifiers: ClinVar variation 258593 (VCV000258593.24), dbSNP rs12942034, ClinGen allele CA8565361.

ClinVar aggregate classification (germline): Benign. Review status: criteria provided, multiple submitters, no conflicts (2 of 4 stars). 14 submissions from 13 submitters: Benign (8). 6 of the submissions do not count toward it. Last evaluated 2026-09-21.

Conditions:
Arrhythmogenic right ventricular dysplasia 12. Also called: ARRHYTHMOGENIC RIGHT VENTRICULAR DYSPLASIA, FAMILIAL, 12. Identifiers: MedGen C1969081, MONDO:0012684, OMIM 611528.
Naxos disease (NXD). Also called: KERATOSIS PALMOPLANTARIS WITH ARRHYTHMOGENIC CARDIOMYOPATHY; MAL DE NAXOS; PALMOPLANTAR KERATODERMA WITH ARRHYTHMOGENIC RIGHT VENTRICULAR CARDIOMYOPATHY AND WOOLLY HAIR; WOOLLY HAIR, PALMOPLANTAR KERATODERMA, AND CARDIAC ABNORMALITIES; CARDIOMYOPATHY, ARRHYTHMOGENIC RIGHT VENTRICULAR, WITH SKIN, HAIR, AND NAIL ABNORMALITIES. Identifiers: Orphanet 34217, MedGen C1832600, MONDO:0011017, OMIM 601214.
Cardiomyopathy (CMYO). Also called: Cardiomyopathies. Identifiers: Orphanet 167848, MedGen C0878544, MONDO:0004994, HP:0001638. Inheritance: Various modes of inheritance.

Allele frequency attached by ClinVar (database versions not stated): gnomAD 0.80828 and 0.81403; ExAC 0.76379; ESP Exome Variant Server 0.83431; 1000 Genomes Project 30x 0.74656; 1000 Genomes Project 0.74421; gnomAD exomes 0.75147 and 0.80123; TOPMed 0.79785.
gnomAD v4.1: 1,292,029 of 1,611,860 alleles (80%); highest among the groups gnomAD compares: African/African-American, 89%; 522,337 homozygotes.

Submissions (14):

Molecular Diagnostic Laboratory for Inherited Cardiovascular Disease, Montreal Heart Institute
Classification: Benign. Last evaluated: 2026-09-21. Review status: criteria provided, single submitter. Criteria: ACMG Guidelines, 2015. Collection method: clinical testing. Allele origin: germline. Affected: no.

Labcorp Genetics (formerly Invitae), Labcorp
Classification: Benign for Arrhythmogenic right ventricular dysplasia 12; Naxos disease. Last evaluated: 2026-02-04. Review status: criteria provided, single submitter. Criteria: Invitae Variant Classification Sherloc (09022015). Collection method: clinical testing. Allele origin: germline.

Blueprint Genetics
Classification: Benign. Last evaluated: 2024-11-28. Review status: criteria provided, single submitter. Criteria: ACMG Guidelines, 2015. Collection method: clinical testing. Allele origin: germline.

Genome-Nilou Lab
Classification: Benign for Arrhythmogenic right ventricular dysplasia 12. Last evaluated: 2021-08-19. Review status: criteria provided, single submitter. Criteria: ACMG Guidelines, 2015. Collection method: clinical testing. Allele origin: germline. Affected: no.

Genome-Nilou Lab
Classification: Benign for Naxos disease. Last evaluated: 2021-08-19. Review status: criteria provided, single submitter. Criteria: ACMG Guidelines, 2015. Collection method: clinical testing. Allele origin: germline. Affected: no.

GeneDx
Classification: Benign. Last evaluated: 2015-03-12. Review status: criteria provided, single submitter. Criteria: GeneDx Variant Classification (06012015). Collection method: clinical testing. Allele origin: germline. Affected: yes.
Comment: This variant is considered likely benign or benign based on one or more of the following criteria: it is a conservative change, it occurs at a poorly conserved position in the protein, it is predicted to be benign by multiple in silico algorithms, and/or has population frequency not consistent with disease.

Breakthrough Genomics
Classification: Benign. Review status: criteria provided, single submitter. Criteria: ACMG Guidelines, 2015. Collection method: not provided. Allele origin: germline. Inheritance: Autosomal recessive inheritance. Affected: yes.

PreventionGenetics, part of Exact Sciences
Classification: Benign. Review status: criteria provided, single submitter. Criteria: ACMG Guidelines, 2015. Collection method: clinical testing. Allele origin: germline.

Cohesion Phenomics
Classification: Benign for Cardiomyopathy. Last evaluated: 2022-09-23. Review status: no assertion criteria provided. Criteria: ACMG Guidelines, 2015. Collection method: clinical testing. Allele origin: germline. Affected: yes. Not counted in ClinVar's aggregate classification.

Clinical Genetics DNA and cytogenetics Diagnostics Lab, Erasmus MC, Erasmus Medical Center
Classification: Benign. Review status: no assertion criteria provided. Collection method: clinical testing. Allele origin: germline. Affected: yes. Study: VKGL Data-share Consensus. Not counted in ClinVar's aggregate classification.

Clinical Genetics, Academic Medical Center
Classification: Benign. Review status: no assertion criteria provided. Collection method: clinical testing. Allele origin: germline. Affected: yes. Study: VKGL Data-share Consensus. Not counted in ClinVar's aggregate classification.

Diagnostic Laboratory, Department of Genetics, University Medical Center Groningen
Classification: Benign. Review status: no assertion criteria provided. Collection method: clinical testing. Allele origin: germline. Affected: yes. Study: VKGL Data-share Consensus. Not counted in ClinVar's aggregate classification.

Genome Diagnostics Laboratory, University Medical Center Utrecht
Classification: Benign. Review status: no assertion criteria provided. Collection method: clinical testing. Allele origin: germline. Affected: yes. Study: VKGL Data-share Consensus. Not counted in ClinVar's aggregate classification.

Joint Genome Diagnostic Labs from Nijmegen and Maastricht, Radboudumc and MUMC+
Classification: Benign. Review status: no assertion criteria provided. Collection method: clinical testing. Allele origin: germline. Affected: yes. Study: VKGL Data-share Consensus. Not counted in ClinVar's aggregate classification.